The following is an entry in ClinVar:

NC_000012.12:g.132472887C>G

Gene: MUC8 (mucin 8; minus strand). Cytogenetic location: 12q24.33.
Variant type: single nucleotide variant.
Genome position: GRCh38 VCF-style: chr12-132472887-C-G. GRCh37 (hg19) VCF-style: chr12-133049473-C-G.
Identifiers: ClinVar variation 2643638 (VCV002643638.24), dbSNP rs1307849632, ClinGen allele CA482705125.

ClinVar aggregate classification (germline): Likely benign (1 of 4 stars; one submission).

Submission:

CeGaT Center for Human Genetics Tuebingen
Classification: Likely benign. Last evaluated: 2023-01-01. Review status: criteria provided, single submitter. Criteria: CeGaT Center For Human Genetics Tuebingen Variant Classification Criteria Version 2. Collection method: clinical testing. Allele origin: germline. Affected: yes. Observed: 1 variant allele.
Comment: MUC8: BP4, BP7